The following is an entry in ClinVar:

NM_004984.4(KIF5A):c.292-4C>A

Gene: KIF5A (kinesin family member 5A; plus strand). Cytogenetic location: 12q13.3.
Variant type: single nucleotide variant.
Coding change: c.292-4C>A on transcript NM_004984.4 (MANE Select); 4 bases into the intron before coding-DNA position 292, C replaced by A.
Molecular consequence: intron variant.
Genome position (GRCh38, 1-based): chr12:57,564,104, C>A. VCF-style: chr12-57564104-C-A. GRCh37 (hg19) VCF-style: chr12-57957887-C-A.
Other names: c.130-356C>A (NM_001354705.2).
Identifiers: ClinVar variation 509756 (VCV000509756.1), dbSNP rs760970894, ClinGen allele CA658797928.

ClinVar aggregate classification (germline): Likely benign (1 of 4 stars; one submission).

gnomAD v4.1: 1 of 1,611,468 alleles (0.000062%); highest among the groups gnomAD compares: Non-Finnish European, 0.000085%; no homozygotes.

Submission:

GeneDx
Classification: Likely benign. Last evaluated: 2017-05-25. Review status: criteria provided, single submitter. Criteria: GeneDx Variant Classification (06012015). Collection method: clinical testing. Allele origin: germline. Affected: yes.
Comment: This variant is considered likely benign or benign based on one or more of the following criteria: it is a conservative change, it occurs at a poorly conserved position in the protein, it is predicted to be benign by multiple in silico algorithms, and/or has population frequency not consistent with disease.